The following is an entry in ClinVar:

NM_000642.3(AGL):c.3108T>A (p.Phe1036Leu)

Gene: AGL (amylo-alpha-1,6-glucosidase and 4-alpha-glucanotransferase; plus strand). Cytogenetic location: 1p21.2.
Variant type: single nucleotide variant.
Coding change: c.3108T>A on transcript NM_000642.3 (MANE Select); coding-DNA position 3108, T replaced by A.
Protein change: p.Phe1036Leu; replaces phenylalanine 1036 with leucine.
Molecular consequence: missense variant.
Genome position (GRCh38, 1-based): chr1:99,892,456, T>A. VCF-style: chr1-99892456-T-A. GRCh37 (hg19) VCF-style: chr1-100358012-T-A.
Other names: c.3108T>A, p.Phe1036Leu (NM_000028.3, NM_000643.3, NM_000644.3 and 1 more transcripts); c.3060T>A, p.Phe1020Leu (NM_000646.3); c.3087T>A, p.Phe1029Leu (NM_001425326.1); c.2907T>A, p.Phe969Leu (NM_001425327.1); c.2904T>A, p.Phe968Leu (NM_001425328.1); c.2769T>A, p.Phe923Leu (NM_001425329.1); c.2730T>A, p.Phe910Leu (NM_001425332.1); short protein forms F1020L, F1036L, F1029L, F910L, F923L, F968L, F969L.
Identifiers: ClinVar variation 1945534 (VCV001945534.5), dbSNP rs1345406973, ClinGen allele CA341326553.

ClinVar aggregate classification (germline): Uncertain significance (1 of 4 stars; one submission).

Conditions:
Glycogen storage disease type III (GSD3). Also called: Cori disease; FORBES DISEASE. Identifiers: Orphanet 366, MedGen C0017922, MONDO:0009291, OMIM 232400.

Allele frequency attached by ClinVar (database versions not stated): gnomAD 0.00001; TOPMed 0.00001.
gnomAD v4.1: 2 of 1,613,510 alleles (0.00012%); highest among the groups gnomAD compares: Non-Finnish European, 0.00017%; no homozygotes.

Submission:

Labcorp Genetics (formerly Invitae), Labcorp
Classification: Uncertain significance for Glycogen storage disease type III. Last evaluated: 2021-12-27. Review status: criteria provided, single submitter. Criteria: Invitae Variant Classification Sherloc (09022015). Collection method: clinical testing. Allele origin: germline.
Comment: In summary, the available evidence is currently insufficient to determine the role of this variant in disease. Therefore, it has been classified as a Variant of Uncertain Significance. Algorithms developed to predict the effect of sequence changes on RNA splicing suggest that this variant may create or strengthen a splice site. Algorithms developed to predict the effect of missense changes on protein structure and function (SIFT, PolyPhen-2, Align-GVGD) all suggest that this variant is likely to be tolerated. This variant has not been reported in the literature in individuals affected with AGL-related conditions. This variant is not present in population databases (gnomAD no frequency). This sequence change replaces phenylalanine, which is neutral and non-polar, with leucine, which is neutral and non-polar, at codon 1036 of the AGL protein (p.Phe1036Leu).